The following is an entry in ClinVar:

ClinVar aggregate classification (germline): Likely pathogenic. Review status: criteria provided, single submitter (1 of 4 stars). 3 submissions from 3 submitters: Likely pathogenic (1). 2 of the submissions do not count toward it.

Conditions:
TOE1-related disorder. Also called: TOE1-related condition.
Pontocerebellar hypoplasia type 7. Identifiers: Orphanet 284339, MedGen C3554226, MONDO:0013993, OMIM 614969.

Allele frequency attached by ClinVar (database versions not stated): gnomAD 0.00001; gnomAD exomes 0.00001 and 0.00004; ExAC 0.00002; TOPMed 0.00002.
gnomAD v4.1: 14 of 1,613,820 alleles (0.00087%); highest among the groups gnomAD compares: East Asian, 0.031%; no homozygotes.

Submissions (3):

Juno Genomics, Hangzhou Juno Genomics, Inc
Classification: Likely pathogenic for Pontocerebellar hypoplasia type 7. Review status: criteria provided, single submitter. Criteria: ACMG Guidelines, 2015. Collection method: clinical testing. Allele origin: germline.
Comment: Absent from controls (or at extremely low frequency if recessive) in Genome Aggregation Database.;Multiple lines of computational evidence support a deleterious effect on the gene or gene product.;For recessive disorders, detected in trans with a pathogenic variant.;Patient's phenotype or family history is highly specific for a disease with a single genetic etiology.;Co-segregation with disease in multiple affected family members.

PreventionGenetics, part of Exact Sciences
Classification: Likely pathogenic for TOE1-related condition. Last evaluated: 2024-02-02. Review status: no assertion criteria provided. Collection method: clinical testing. Allele origin: germline. Not counted in ClinVar's aggregate classification.
Comment: The TOE1 c.955C>T variant is predicted to result in the amino acid substitution p.His319Tyr. This variant has been reported in the compound heterozygous state in several individuals with pontocerebellar hypoplasia (Figure 2A, Lardelli et al 2017. PubMed ID: 28092684; Jo et al. 2023. PubMed ID: 37945020; Guo et al. 2023. PubMed ID: 37635087). This variant is reported in 0.049% of alleles in individuals of East Asian descent in gnomAD. This variant is interpreted as likely pathogenic.

University of Washington Center for Mendelian Genomics, University of Washington
Classification: Likely pathogenic for Pontocerebellar Hypoplasia Type 7. Last evaluated: 2017-07-16. Review status: no assertion criteria provided. Collection method: research. Allele origin: unknown. Affected: yes. Not counted in ClinVar's aggregate classification.

Literature cited by the submitters: PubMed 28092684 (cited by University of Washington Center for Mendelian Genomics, University of Washington).

NM_025077.4(TOE1):c.955C>T (p.His319Tyr)

Gene: TOE1 (target of EGR1, exonuclease; plus strand). Cytogenetic location: 1p34.1.
Variant type: single nucleotide variant.
Coding change: c.955C>T on transcript NM_025077.4 (MANE Select); coding-DNA position 955, C replaced by T.
Protein change: p.His319Tyr; replaces histidine 319 with tyrosine.
Molecular consequence: missense variant.
Genome position (GRCh38, 1-based): chr1:45,343,124, C>T. VCF-style: chr1-45343124-C-T. GRCh37 (hg19) VCF-style: chr1-45808796-C-T.
Other names: short protein forms H319Y.
Identifiers: ClinVar variation 690335 (VCV000690335.5), dbSNP rs750266350, ClinGen allele CA826742.